The following is an entry in ClinVar:

ClinVar aggregate classification (germline): Uncertain significance. Review status: criteria provided, multiple submitters, no conflicts (2 of 4 stars). 2 submissions from 2 submitters: Uncertain significance (2). Last evaluated 2025-11-23.

Conditions:
Baller-Gerold syndrome (BGS). Also called: CRANIOSYNOSTOSIS WITH RADIAL DEFECTS. Identifiers: Orphanet 1225, MedGen C0265308, MONDO:0009039, OMIM 218600.
Rapadilino syndrome. Identifiers: Orphanet 3021, MedGen C1849453, MONDO:0009955, OMIM 266280.
Rothmund-Thomson syndrome type 2 (RTS2). Identifiers: Orphanet 221016, MedGen C5203410, MONDO:0016369, OMIM 268400.

Allele frequency attached by ClinVar (database versions not stated): gnomAD exomes 0.00001 and 0.00002; ExAC 0.00003; TOPMed 0.00004; gnomAD 0.00006; 1000 Genomes Project 30x 0.00016; 1000 Genomes Project 0.00020.
gnomAD v4.1: 29 of 1,610,242 alleles (0.0018%); highest among the groups gnomAD compares: Admixed American, 0.012%; no homozygotes.

Submissions (2):

Labcorp Genetics (formerly Invitae), Labcorp
Classification: Uncertain significance for Baller-Gerold syndrome. Last evaluated: 2025-11-23. Review status: criteria provided, single submitter. Criteria: Invitae Variant Classification Sherloc (09022015). Collection method: clinical testing. Allele origin: germline.
Comment: This sequence change replaces arginine, which is basic and polar, with cysteine, which is neutral and slightly polar, at codon 248 of the RECQL4 protein (p.Arg248Cys). This variant is present in population databases (rs540719285, gnomAD 0.02%). This missense change has been observed in individual(s) with cancer (PMID: 35534704). ClinVar contains an entry for this variant (Variation ID: 572686). Invitae Evidence Modeling of protein sequence and biophysical properties (such as structural, functional, and spatial information, amino acid conservation, physicochemical variation, residue mobility, and thermodynamic stability) indicates that this missense variant is not expected to disrupt RECQL4 protein function with a negative predictive value of 80%. In summary, the available evidence is currently insufficient to determine the role of this variant in disease. Therefore, it has been classified as a Variant of Uncertain Significance.

Fulgent Genetics
Classification: Uncertain significance for Baller-Gerold syndrome; Rapadilino syndrome; Rothmund-Thomson syndrome type 2. Last evaluated: 2022-02-07. Review status: criteria provided, single submitter. Criteria: ACMG Guidelines, 2015. Collection method: clinical testing. Allele origin: unknown.

Literature cited by the submitters: PubMed 35534704 (cited by Labcorp Genetics (formerly Invitae), Labcorp).

NM_004260.4(RECQL4):c.742C>T (p.Arg248Cys)

Gene: RECQL4 (RecQ like helicase 4; minus strand). Cytogenetic location: 8q24.3.
Variant type: single nucleotide variant.
Coding change: c.742C>T on transcript NM_004260.4 (MANE Select); coding-DNA position 742, C replaced by T.
Protein change: p.Arg248Cys; replaces arginine 248 with cysteine.
Molecular consequence: missense variant.
Genome position (GRCh38, 1-based): chr8:144,516,377, G>A on the plus strand (C>T on the coding strand, the complement: RECQL4 is on the minus strand). VCF-style: chr8-144516377-G-A. GRCh37 (hg19) VCF-style: chr8-145741761-G-A.
Other names: short protein forms R248C.
Identifiers: ClinVar variation 572686 (VCV000572686.9), dbSNP rs540719285, ClinGen allele CA4949192.